The following is an entry in ClinVar:

NM_024120.5(NDUFAF5):c.970G>A (p.Ala324Thr)

Gene: NDUFAF5 (NADH:ubiquinone oxidoreductase complex assembly factor 5; plus strand). Cytogenetic location: 20p12.1.
Variant type: single nucleotide variant.
Coding change: c.970G>A on transcript NM_024120.5 (MANE Select); coding-DNA position 970, G replaced by A.
Protein change: p.Ala324Thr; replaces alanine 324 with threonine.
Molecular consequence: missense variant. On other transcripts: non-coding transcript variant (7).
Genome position (GRCh38, 1-based): chr20:13,817,142, G>A. VCF-style: chr20-13817142-G-A. GRCh37 (hg19) VCF-style: chr20-13797788-G-A.
Other names: c.970G>A (NM_024120.4); c.886G>A, p.Ala296Thr (NM_001039375.3); c.499G>A, p.Ala167Thr (NM_001352403.2); c.409G>A, p.Ala137Thr (NM_001352406.2, NM_001352407.2); short protein forms A137T, A167T, A296T, A324T.
Identifiers: ClinVar variation 991374 (VCV000991374.3), dbSNP rs142611230, ClinGen allele CA9767954.

ClinVar aggregate classification (germline): Uncertain significance. Review status: criteria provided, multiple submitters, no conflicts (2 of 4 stars). 3 submissions from 3 submitters: Uncertain significance (2). 1 of the submissions does not count toward it. Last evaluated 2025-06-25.

Conditions:
Mitochondrial complex I deficiency, nuclear type 16. Also called: Mitochondrial complex 1 deficiency, nuclear type 16. Identifiers: MedGen C4748785, MONDO:0032621, OMIM 618238.
Leigh syndrome (NULS). Also called: Leigh's syndrome; Leigh Syndrome (mtDNA deletion); Leigh Disease; Subacute necrotizing encephalopathy; Necrotizing encephalopathy infantile subacute of Leigh; LEIGH SYNDROME, NUCLEAR. Identifiers: Orphanet 506, MedGen C2931891, MONDO:0009723, OMIM 256000.

Allele frequency attached by ClinVar (database versions not stated): ExAC 0.00002; gnomAD 0.00003; gnomAD exomes 0.00004 and 0.00005; TOPMed 0.00005; ESP Exome Variant Server 0.00008.

Submissions (3):

GeneDx
Classification: Uncertain significance. Last evaluated: 2025-06-25. Review status: criteria provided, single submitter. Criteria: GeneDx Variant Classification Process June 2021. Collection method: clinical testing. Allele origin: germline. Affected: yes.
Comment: Not observed at significant frequency in large population cohorts (gnomAD); In silico analysis supports that this missense variant has a deleterious effect on protein structure/function; Has not been previously published as pathogenic or benign to our knowledge

Fulgent Genetics
Classification: Uncertain significance for Mitochondrial complex I deficiency, nuclear type 16. Last evaluated: 2021-11-08. Review status: criteria provided, single submitter. Criteria: ACMG Guidelines, 2015. Collection method: clinical testing. Allele origin: unknown.

Natera, Inc.
Classification: Uncertain significance for Leigh syndrome. Last evaluated: 2020-09-02. Review status: no assertion criteria provided. Collection method: clinical testing. Allele origin: germline. Not counted in ClinVar's aggregate classification.